The following is an entry in ClinVar:

NM_000352.6(ABCC8):c.2458dup (p.Thr820fs)

Genes: ABCC8 (ATP binding cassette subfamily C member 8; minus strand), LOC110121471 (VISTA enhancer hs1977; plus strand). Cytogenetic location: 11p15.1.
Variant type: Duplication.
Coding change: c.2458dup on transcript NM_000352.6 (MANE Select); coding-DNA position 2458, one base duplicated (A; older notation c.2458dupA).
Protein change: p.Thr820fs; shifts the reading frame from threonine 820.
Molecular consequence: frameshift variant. On other transcripts: non-coding transcript variant (1).
Genome position (GRCh38, 1-based): chr11:17,413,411, T duplicated on the plus strand (A on the coding strand, the reverse complement: ABCC8 is on the minus strand). VCF-style (leftmost placement, unchanged base first): chr11-17413410-G-GT. GRCh37 (hg19) VCF-style: chr11-17434957-G-GT.
Other names: c.2461dup, p.Thr821fs (NM_001287174.3); c.2524dup, p.Thr842fs (NM_001351295.2); c.2458dup, p.Thr820fs (NM_001351296.2); c.2455dup, p.Thr819fs (NM_001351297.2); short protein forms T819fs, T820fs, T821fs, T842fs.
Identifiers: ClinVar variation 5013310 (VCV005013310.1).
Genomic context (GRCh38, chr11:17,413,410, plus strand): 5'-GGGGGTCCTGGCTTTGAAAAAACCCCTCAGAGGCTGCTACTAACCCGTTCCCCAATCTGG[G>GT]TCTGGTCTCCATGGGGCAGGATGTCGATGTCTGGCTGCAGAGAGCAGGCTTCAATGACCA-3'

ClinVar aggregate classification (germline): Pathogenic (1 of 4 stars; one submission).

Conditions:
Hyperinsulinemic hypoglycemia, familial, 1 (HHF1). Also called: HYPERINSULINISM, FAMILIAL, WITH PANCREATIC NESIDIOBLASTOSIS; HYPOGLYCEMIA, HYPERINSULINEMIC, OF INFANCY; NESIDIOBLASTOSIS OF PANCREAS; Persistent Hyperinsulinemia Hypoglycemia of Infancy; Persistent hyperinsulinemic hypoglycemia of infancy. Identifiers: Orphanet 276575, Orphanet 276598, MedGen C2931832, MONDO:0009734, OMIM 256450.

Submission:

Myriad Genetics, Inc.
Classification: Pathogenic for Hyperinsulinemic hypoglycemia, familial, 1. Last evaluated: 2024-07-12. Review status: criteria provided, single submitter. Criteria: Myriad Autosomal Dominant, Autosomal Recessive and X-Linked Classification Criteria (2023). Collection method: clinical testing. Allele origin: unknown.
Comment: NM_000352.3(ABCC8):c.2458dupA(T820Nfs*35) is expected to be pathogenic in the context of familial hyperinsulinism, ABCC8-related. This variant is predicted to lead to an abnormal or absent protein product due to the creation of a premature termination codon in ABCC8, a gene where loss-of-function variants are known to be pathogenic. Please note: this variant was assessed in the context of healthy population screening.